The following is an entry in ClinVar:

ClinVar aggregate classification (germline): Uncertain significance (1 of 4 stars; one submission).

Conditions:
Inborn genetic diseases. Identifiers: MedGen C0950123, MeSH D030342.

gnomAD v4.1: 1 of 1,614,100 alleles (0.000062%); highest among the groups gnomAD compares: Admixed American, 0.0017%; no homozygotes.

Submission:

Ambry Genetics
Classification: Uncertain significance for Inborn genetic diseases. Last evaluated: 2026-05-14. Review status: criteria provided, single submitter. Criteria: Ambry Variant Classification Scheme 2023. Collection method: clinical testing. Allele origin: germline.
Comment: The c.709A>G (p.S237G) alteration is located in exon 6 (coding exon 6) of the SIM1 gene. This alteration results from a A to G substitution at nucleotide position 709, causing the serine (S) at amino acid position 237 to be replaced by a glycine (G). Based on data from gnomAD, the G allele has an overall frequency of <0.001% (1/251138) total alleles studied. The highest observed frequency was 0.003% (1/34566) of Latino alleles. Based on insufficient or conflicting evidence, the clinical significance of this alteration remains unclear.

NM_005068.3(SIM1):c.709A>G (p.Ser237Gly)

Gene: SIM1 (SIM bHLH transcription factor 1; minus strand). Cytogenetic location: 6q16.3.
Variant type: single nucleotide variant.
Coding change: c.709A>G on transcript NM_005068.3 (MANE Select); coding-DNA position 709, A replaced by G.
Protein change: p.Ser237Gly; replaces serine 237 with glycine.
Molecular consequence: missense variant.
Genome position (GRCh38, 1-based): chr6:100,448,513, T>C on the plus strand (A>G on the coding strand, the complement: SIM1 is on the minus strand). VCF-style: chr6-100448513-T-C. GRCh37 (hg19) VCF-style: chr6-100896389-T-C.
Other names: c.709A>G, p.Ser237Gly (NM_001374769.1); short protein forms S237G.
Identifiers: ClinVar variation 4864516 (VCV004864516.1).